The following is an entry in ClinVar:

NM_000038.6(APC):c.136-2827G>C

Gene: APC (APC regulator of WNT signaling pathway; plus strand). Cytogenetic location: 5q22.2.
Variant type: single nucleotide variant.
Coding change: c.136-2827G>C on transcript NM_000038.6 (MANE Select); 2827 bases into the intron before coding-DNA position 136, G replaced by C.
Molecular consequence: intron variant.
Genome position (GRCh38, 1-based): chr5:112,763,499, G>C. VCF-style: chr5-112763499-G-C. GRCh37 (hg19) VCF-style: chr5-112099196-G-C.
Other names: c.136-2827G>C (NM_001354895.2, NM_001127510.3, NM_001354896.2 and 2 more transcripts); c.166-2827G>C (NM_001354897.2, NM_001354902.2, NM_001127511.3); c.61-2827G>C (NM_001354898.2, NM_001354904.2); c.-900-2827G>C (NM_001354906.2); c.-42-2827G>C (NM_001354900.2, NM_001354901.2, NM_001354905.2).
Identifiers: ClinVar variation 82853 (VCV000082853.2), dbSNP rs79068683, ClinGen allele CA004629.

ClinVar aggregate classification (germline): other (0 of 4 stars; one submission).

Conditions:
Familial colorectal cancer. Identifiers: MedGen CN280943, MONDO:0023113. Disease mechanism: loss of function.

Submission:

Systems Biology Platform Zhejiang California International NanoSystems Institute
Classification: other for Familial colorectal cancer. Review status: no assertion criteria provided. Collection method: not provided. Allele origin: unknown.
ClinVar note: Converted during submission from cancer to other.